The following is an entry in ClinVar:

ClinVar aggregate classification (germline): Uncertain significance (1 of 4 stars; one submission).

Conditions:
Hereditary cancer-predisposing syndrome. Also called: Hereditary Cancer Syndrome; Tumor predisposition; Hereditary neoplastic syndrome; Neoplastic Syndromes, Hereditary. Identifiers: Orphanet 140162, MedGen C0027672, MeSH D009386, MONDO:0015356.

Submission:

Ambry Genetics
Classification: Uncertain significance for Hereditary cancer-predisposing syndrome. Last evaluated: 2024-10-28. Review status: criteria provided, single submitter. Criteria: Ambry Variant Classification Scheme 2023. Collection method: clinical testing. Allele origin: germline.
Comment: The p.K842M variant (also known as c.2525A>T), located in coding exon 18 of the MSH3 gene, results from an A to T substitution at nucleotide position 2525. The lysine at codon 842 is replaced by methionine, an amino acid with similar properties. This amino acid position is conserved. In addition, this alteration is predicted to be deleterious by in silico analysis. Based on the available evidence, the clinical significance of this variant remains unclear.

NM_002439.5(MSH3):c.2525A>T (p.Lys842Met)

Gene: MSH3 (mutS homolog 3; plus strand). Cytogenetic location: 5q14.1.
Variant type: single nucleotide variant.
Coding change: c.2525A>T on transcript NM_002439.5 (MANE Select); coding-DNA position 2525, A replaced by T.
Protein change: p.Lys842Met; replaces lysine 842 with methionine.
Molecular consequence: missense variant.
Genome position (GRCh38, 1-based): chr5:80,787,654, A>T. VCF-style: chr5-80787654-A-T. GRCh37 (hg19) VCF-style: chr5-80083473-A-T.
Other names: short protein forms K842M.
Identifiers: ClinVar variation 3398755 (VCV003398755.1).
Genomic context (GRCh38, chr5:80,787,654, plus strand): 5'-GTAAAGCAGTGCATCACCTAGCAACTGTTGACTGCATTTTCTCCCTGGCCAAGGTCGCTA[A>T]GCAAGGAGATTACTGCAGGTAAGATATTTTTCATTTTCCTCTTTATCAGTGCTTTAGATA-3'
Protein context (NP_002430.3, residues 832-852): DCIFSLAKVA[Lys842Met]QGDYCRPTVQ